The following is an entry in ClinVar:

NM_014946.4(SPAST):c.1413+6T>G

Gene: SPAST (spastin; plus strand). Cytogenetic location: 2p22.3.
Variant type: single nucleotide variant.
Coding change: c.1413+6T>G on transcript NM_014946.4 (MANE Select); 6 bases into the intron after coding-DNA position 1413, T replaced by G.
Molecular consequence: intron variant.
Genome position (GRCh38, 1-based): chr2:32,136,974, T>G. VCF-style: chr2-32136974-T-G. GRCh37 (hg19) VCF-style: chr2-32362043-T-G.
Other names: c.1317+6T>G (NM_199436.2, NM_001377959.1); c.1410+6T>G (NM_001363823.2); c.1314+6T>G (NM_001363875.2).
Identifiers: ClinVar variation 1516595 (VCV001516595.6), dbSNP rs1553318284, ClinGen allele CA2573134505.
Genomic context (GRCh38, chr2:32,136,974, plus strand): 5'-GGAGCACGATGCTAGTAGACGCCTAAAAACTGAATTTCTAATAGAATTTGATGGTGTAAG[T>G]GTTGATTATGATATTTTTAATGTGGCAGCATTTTAGTATATTTTCCTATTAAATGGCCAA-3'

ClinVar aggregate classification (germline): Uncertain significance (1 of 4 stars; one submission).

Conditions:
Hereditary spastic paraplegia 4. Also called: Familial spastic paraplegia autosomal dominant 2; Spastic paraplegia 4, autosomal dominant; Spastic Paraplegia 4. Identifiers: Orphanet 100985, MedGen C1866855, MONDO:0008438, OMIM 182601.

Submission:

Labcorp Genetics (formerly Invitae), Labcorp
Classification: Uncertain significance for Hereditary spastic paraplegia 4. Last evaluated: 2021-04-30. Review status: criteria provided, single submitter. Criteria: Invitae Variant Classification Sherloc (09022015). Collection method: clinical testing. Allele origin: germline.
Comment: Nucleotide substitutions within the consensus splice site are a relatively common cause of aberrant splicing (PMID: 17576681, 9536098). Algorithms developed to predict the effect of sequence changes on RNA splicing suggest that this variant may disrupt the consensus splice site, but this prediction has not been confirmed by published transcriptional studies. This variant has not been reported in the literature in individuals with SPAST-related conditions. This variant is not present in population databases (ExAC no frequency). This sequence change falls in intron 11 of the SPAST gene. It does not directly change the encoded amino acid sequence of the SPAST protein. It affects a nucleotide within the consensus splice site of the intron. In summary, the available evidence is currently insufficient to determine the role of this variant in disease. Therefore, it has been classified as a Variant of Uncertain Significance.

Literature cited by the submitters: PubMed 17576681; PubMed 9536098.